The following is an entry in ClinVar:

NM_020822.3(KCNT1):c.1789G>A (p.Gly597Arg)

Gene: KCNT1 (potassium sodium-activated channel subfamily T member 1; plus strand). Cytogenetic location: 9q34.3.
Variant type: single nucleotide variant.
Coding change: c.1789G>A on transcript NM_020822.3 (MANE Select); coding-DNA position 1789, G replaced by A.
Protein change: p.Gly597Arg; replaces glycine 597 with arginine.
Molecular consequence: missense variant.
Genome position (GRCh38, 1-based): chr9:135,770,876, G>A. VCF-style: chr9-135770876-G-A. GRCh37 (hg19) VCF-style: chr9-138662722-G-A.
Other names: c.1654G>A, p.Gly552Arg (NM_001272003.2); c.1789G>A (NM_020822.2); short protein forms G552R, G597R.
Identifiers: ClinVar variation 2192528 (VCV002192528.5), dbSNP rs774652778, ClinGen allele CA5327080.

ClinVar aggregate classification (germline): Uncertain significance. Review status: criteria provided, multiple submitters, no conflicts (2 of 4 stars). 2 submissions from 2 submitters: Uncertain significance (2). Last evaluated 2022-09-22.

Conditions:
Autosomal dominant nocturnal frontal lobe epilepsy 5. Also called: CILIARY DYSKINESIA, PRIMARY, 28, WITHOUT SITUS INVERSUS; CILIARY DYSKINESIA, PRIMARY, 28, WITH SITUS INVERSUS; Epilepsy, nocturnal frontal lobe, 5; KCNT1-Related Epilepsy. Identifiers: Orphanet 98784, MedGen C3554306, MONDO:0014002, OMIM 615005.
Developmental and epileptic encephalopathy, 14 (DEE14). Also called: Early infantile epileptic encephalopathy 14. Identifiers: Orphanet 293181, MedGen C3554195, MONDO:0013989, OMIM 614959.

Allele frequency attached by ClinVar (database versions not stated): gnomAD exomes 0.00001; TOPMed 0.00002; ExAC 0.00003; gnomAD 0.00004.
gnomAD v4.1: 19 of 1,579,948 alleles (0.0012%); highest among the groups gnomAD compares: Admixed American, 0.0018%; no homozygotes.

Submissions (2):

GeneDx
Classification: Uncertain significance. Last evaluated: 2022-09-22. Review status: criteria provided, single submitter. Criteria: GeneDx Variant Classification Process June 2021. Collection method: clinical testing. Allele origin: germline. Affected: yes.
Comment: Not observed at significant frequency in large population cohorts (gnomAD); In silico analysis supports that this missense variant has a deleterious effect on splicing; In silico analysis supports that this missense variant has a deleterious effect on protein structure/function; Has not been previously published as pathogenic or benign to our knowledge

Labcorp Genetics (formerly Invitae), Labcorp
Classification: Uncertain significance for Autosomal dominant nocturnal frontal lobe epilepsy 5; Developmental and epileptic encephalopathy, 14. Last evaluated: 2022-09-02. Review status: criteria provided, single submitter. Criteria: Invitae Variant Classification Sherloc (09022015). Collection method: clinical testing. Allele origin: germline.
Comment: This variant has not been reported in the literature in individuals affected with KCNT1-related conditions. In summary, the available evidence is currently insufficient to determine the role of this variant in disease. Therefore, it has been classified as a Variant of Uncertain Significance. Algorithms developed to predict the effect of sequence changes on RNA splicing suggest that this variant may create or strengthen a splice site. Advanced modeling of protein sequence and biophysical properties (such as structural, functional, and spatial information, amino acid conservation, physicochemical variation, residue mobility, and thermodynamic stability) performed at Invitae indicates that this missense variant is expected to disrupt KCNT1 protein function. The frequency data for this variant in the population databases is considered unreliable, as metrics indicate poor data quality at this position in the gnomAD database. This sequence change replaces glycine, which is neutral and non-polar, with arginine, which is basic and polar, at codon 597 of the KCNT1 protein (p.Gly597Arg).